The following is an entry in ClinVar:

NM_004260.4(RECQL4):c.1879-3C>A

Gene: RECQL4 (RecQ like helicase 4; minus strand). Cytogenetic location: 8q24.3.
Variant type: single nucleotide variant.
Coding change: c.1879-3C>A on transcript NM_004260.4 (MANE Select); 3 bases into the intron before coding-DNA position 1879, C replaced by A.
Molecular consequence: intron variant.
Genome position (GRCh38, 1-based): chr8:144,514,110, G>T on the plus strand (C>A on the coding strand, the complement: RECQL4 is on the minus strand). VCF-style: chr8-144514110-G-T. GRCh37 (hg19) VCF-style: chr8-145739494-G-T.
Identifiers: ClinVar variation 852288 (VCV000852288.6), dbSNP rs773289669, ClinGen allele CA916083019.

ClinVar aggregate classification (germline): Uncertain significance (1 of 4 stars; one submission).

Conditions:
Baller-Gerold syndrome (BGS). Also called: CRANIOSYNOSTOSIS WITH RADIAL DEFECTS. Identifiers: Orphanet 1225, MedGen C0265308, MONDO:0009039, OMIM 218600.

Submission:

Labcorp Genetics (formerly Invitae), Labcorp
Classification: Uncertain significance for Baller-Gerold syndrome. Last evaluated: 2019-11-21. Review status: criteria provided, single submitter. Criteria: Invitae Variant Classification Sherloc (09022015). Collection method: clinical testing. Allele origin: germline.
Comment: This variant is not present in population databases (ExAC no frequency). This sequence change falls in intron 11 of the RECQL4 gene. It does not directly change the encoded amino acid sequence of the RECQL4 protein, but it affects a nucleotide within the consensus splice site of the intron. This variant has not been reported in the literature in individuals with RECQL4-related conditions. Nucleotide substitutions within the consensus splice site are a relatively common cause of aberrant splicing (PMID: 17576681, 9536098). Algorithms developed to predict the effect of sequence changes on RNA splicing suggest that this variant may disrupt the consensus splice site, but this prediction has not been confirmed by published transcriptional studies. In summary, the available evidence is currently insufficient to determine the role of this variant in disease. Therefore, it has been classified as a Variant of Uncertain Significance.

Literature cited by the submitters: PubMed 17576681; PubMed 9536098.